The following is an entry in ClinVar:

NM_005629.4(SLC6A8):c.1421A>G (p.Asp474Gly)

Gene: SLC6A8 (solute carrier family 6 member 8; plus strand). Cytogenetic location: Xq28.
Variant type: single nucleotide variant.
Coding change: c.1421A>G on transcript NM_005629.4 (MANE Select); coding-DNA position 1421, A replaced by G.
Protein change: p.Asp474Gly; replaces aspartic acid 474 with glycine.
Molecular consequence: missense variant.
Genome position (GRCh38, 1-based): chrX:153,694,372, A>G. VCF-style: chrX-153694372-A-G. GRCh37 (hg19) VCF-style: chrX-152959827-A-G.
Other names: NM_001142805.2:c.1391A>G; c.1391A>G, p.Asp464Gly (NM_001142805.2); c.1076A>G, p.Asp359Gly (NM_001142806.1); short protein forms D359G, D464G, D474G.
Identifiers: ClinVar variation 2583103 (VCV002583103.1), dbSNP rs2522167369, ClinGen allele CA415087450.

ClinVar aggregate classification (germline): Likely pathogenic (3 of 4 stars; one submission).

Conditions:
Creatine transporter deficiency (CCDS1). Also called: CEREBRAL CREATINE DEFICIENCY SYNDROME 1; Creatine Transporter (CRTR) Deficiency; Mental retardation , X-linked with seizures, short stature and midface hypoplasia; Mental retardation , X-linked, with creatine transport deficiency; X-linked creatine transporter deficiency; X-linked creatine deficiency syndrome. Identifiers: Orphanet 52503, MedGen C1845862, MONDO:0010305, OMIM 300352.

Submission:

ClinGen Cerebral Creatine Deficiency Syndromes Variant Curation Expert Panel, ClinGen
Classification: Likely pathogenic for Creatine transporter deficiency. Last evaluated: 2023-08-07. Review status: reviewed by expert panel. Criteria: ClinGen_CCDS_ACMG_Specifications_SLC6A8_v1.1. Collection method: curation. Allele origin: germline. Inheritance: X-linked inheritance.
Comment: The NM_005629.4:c.1421A>G variant in SLC6A8 is a missense variant that is predicted to result in the substitution of aspartate by glycine at amino acid 474 (p.Asp474Gly). The variant is absent in gnomAD v2.1.1. (PM2_Supporting). The computational predictor REVEL gives a score of 0.971 which is above the threshold of 0.75, evidence that correlates with impact to SLC6A8 function (PP3). There is no ClinVar entry for this variant. In summary, this variant meets criteria to be classified as likely pathogenic for creatine transporter deficiency. SLC6A8-specific criteria applied, as specified by the ClinGen CCDS VCEP (Specifications Version 1.1.0): PP4_Strong, PP3, PM2_Supporting. (Classification approved by the ClinGen CCDS VCEP, August 7, 2023)